The following is an entry in ClinVar:

ClinVar aggregate classification (germline): Benign/Likely benign. Review status: criteria provided, multiple submitters, no conflicts (2 of 4 stars). 2 submissions from 2 submitters: Benign (1); Likely benign (1). Last evaluated 2017-04-27.

Conditions:
Catecholaminergic polymorphic ventricular tachycardia 2. Also called: VENTRICULAR TACHYCARDIA, STRESS-INDUCED POLYMORPHIC 2; CASQ2-Related Catecholaminergic Polymorphic Ventricular Tachycardia. Identifiers: Orphanet 3286, MedGen C2677794, MONDO:0012762, OMIM 611938.

Allele frequency attached by ClinVar (database versions not stated): gnomAD 0.00217 and 0.00288; gnomAD exomes 0.00223; TOPMed 0.00301; 1000 Genomes Project 30x 0.01249; 1000 Genomes Project 0.01298.
gnomAD v4.1: 3,013 of 1,282,318 alleles (0.23%); highest among the groups gnomAD compares: East Asian, 6.1%; 88 homozygotes.

Submissions (5):

Illumina Laboratory Services, Illumina
Classification: Benign for Catecholaminergic polymorphic ventricular tachycardia 2. Last evaluated: 2017-04-27. Review status: criteria provided, single submitter. Criteria: ICSL Variant Classification Criteria 13 December 2019. Collection method: clinical testing. Allele origin: germline.
Comment: This variant was observed as part of a predisposition screen in an ostensibly healthy population. A literature search was performed for the gene, cDNA change, and amino acid change (where applicable). Publications were found based on this search. The evidence from the literature, in combination with allele frequency data from public databases where available, was sufficient to rule this variant out of causing disease. Therefore, this variant is classified as benign.

Breakthrough Genomics
Classification: Likely benign. Review status: criteria provided, single submitter. Criteria: ACMG Guidelines, 2015. Collection method: not provided. Allele origin: germline. Inheritance: Autosomal recessive inheritance. Affected: yes.

Dr. Peter K. Rogan Lab, Western University
No classification provided (evidence only). Condition: Gastric cancer. Review status: no classification provided. Collection method: in vitro. Allele origin: not applicable. Functional consequence: retained intron. Not counted in ClinVar's aggregate classification.

Dr. Peter K. Rogan Lab, Western University
No classification provided (evidence only). Condition: Cholangiocarcinoma. Review status: no classification provided. Collection method: in vitro. Allele origin: not applicable. Functional consequence: retained intron. Not counted in ClinVar's aggregate classification.

Dr. Peter K. Rogan Lab, Western University
No classification provided (evidence only). Condition: Ovarian serous cystadenocarcinoma. Review status: no classification provided. Collection method: in vitro. Allele origin: not applicable. Functional consequence: retained intron. Not counted in ClinVar's aggregate classification.

Literature cited by the submitters: PubMed 26196381 (cited by Illumina Laboratory Services, Illumina).

NM_001232.4(CASQ2):c.*143G>A

Gene: CASQ2 (calsequestrin 2; minus strand). Cytogenetic location: 1p13.1.
Variant type: single nucleotide variant.
Coding change: c.*143G>A on transcript NM_001232.4 (MANE Select); 143 bases downstream of the stop codon, G replaced by A.
Molecular consequence: 3 prime UTR variant.
Genome position (GRCh38, 1-based): chr1:115,701,098, C>T on the plus strand (G>A on the coding strand, the complement: CASQ2 is on the minus strand). VCF-style: chr1-115701098-C-T. GRCh37 (hg19) VCF-style: chr1-116243719-C-T.
Other names: NC_000001.10:g.116243719C>T.
Identifiers: ClinVar variation 368821 (VCV000368821.9), dbSNP rs28730709, ClinGen allele CA10654423.